The following is an entry in ClinVar:

ClinVar aggregate classification (germline): Uncertain significance. Review status: criteria provided, multiple submitters, no conflicts (2 of 4 stars). 3 submissions from 3 submitters: Uncertain significance (3). Last evaluated 2025-12-29.

Conditions:
Dyskeratosis congenita. Identifiers: Orphanet 1775, MedGen C0265965, MONDO:0015780.
Revesz syndrome. Also called: DYSKERATOSIS CONGENITA, AUTOSOMAL DOMINANT 5; EXUDATIVE RETINOPATHY WITH BONE MARROW FAILURE. Identifiers: Orphanet 3088, MedGen C1327916, MONDO:0009990, OMIM 268130.
Dyskeratosis congenita, autosomal dominant 3. Identifiers: MedGen C3151445, MONDO:0013522, OMIM 613990.

Allele frequency attached by ClinVar (database versions not stated): gnomAD exomes below 0.00001; ExAC 0.00001; gnomAD 0.00001; TOPMed 0.00001.

Submissions (3):

Center for Genomic Medicine, Rigshospitalet, Copenhagen University Hospital
Classification: Uncertain significance. Last evaluated: 2025-12-29. Review status: criteria provided, single submitter. Criteria: ACMG Guidelines, 2015. Collection method: clinical testing. Allele origin: germline.

Fulgent Genetics
Classification: Uncertain significance for Revesz syndrome; Dyskeratosis congenita, autosomal dominant 3. Last evaluated: 2024-05-22. Review status: criteria provided, single submitter. Criteria: ACMG Guidelines, 2015. Collection method: clinical testing. Allele origin: germline.

Labcorp Genetics (formerly Invitae), Labcorp
Classification: Uncertain significance for Dyskeratosis congenita. Last evaluated: 2024-05-08. Review status: criteria provided, single submitter. Criteria: Invitae Variant Classification Sherloc (09022015). Collection method: clinical testing. Allele origin: germline.
Comment: This sequence change replaces leucine, which is neutral and non-polar, with phenylalanine, which is neutral and non-polar, at codon 227 of the TINF2 protein (p.Leu227Phe). This variant is present in population databases (rs754706260, gnomAD 0.0009%). This variant has not been reported in the literature in individuals affected with TINF2-related conditions. ClinVar contains an entry for this variant (Variation ID: 1494138). Algorithms developed to predict the effect of missense changes on protein structure and function output the following: SIFT: "Not Available"; PolyPhen-2: "Possibly Damaging"; Align-GVGD: "Not Available". The phenylalanine amino acid residue is found in multiple mammalian species, which suggests that this missense change does not adversely affect protein function. In summary, the available evidence is currently insufficient to determine the role of this variant in disease. Therefore, it has been classified as a Variant of Uncertain Significance.

NM_001099274.3(TINF2):c.679C>T (p.Leu227Phe)

Gene: TINF2 (TERF1 interacting nuclear factor 2; minus strand). Cytogenetic location: 14q12.
Variant type: single nucleotide variant.
Coding change: c.679C>T on transcript NM_001099274.3 (MANE Select); coding-DNA position 679, C replaced by T.
Protein change: p.Leu227Phe; replaces leucine 227 with phenylalanine.
Molecular consequence: missense variant.
Genome position (GRCh38, 1-based): chr14:24,240,801, G>A on the plus strand (C>T on the coding strand, the complement: TINF2 is on the minus strand). VCF-style: chr14-24240801-G-A. GRCh37 (hg19) VCF-style: chr14-24710007-G-A.
Other names: c.574C>T, p.Leu192Phe (NM_001363668.2); c.679C>T, p.Leu227Phe (NM_012461.3); short protein forms L192F, L227F.
Identifiers: ClinVar variation 1494138 (VCV001494138.10), dbSNP rs754706260, ClinGen allele CA7130581.